The following is an entry in ClinVar:

ClinVar aggregate classification (germline): Uncertain significance (1 of 4 stars; one submission).

Submission:

Labcorp Genetics (formerly Invitae), Labcorp
Classification: Uncertain significance. Last evaluated: 2022-07-19. Review status: criteria provided, single submitter. Criteria: Invitae Variant Classification Sherloc (09022015). Collection method: clinical testing. Allele origin: germline.
Comment: A copy number gain of the genomic region encompassing the full coding sequence of the ANGPT1 gene has been identified. The boundaries of this event are unknown as they extend beyond the assayed region for this gene and therefore may encompass additional genes. As the precise location of this event is unknown, it may be in tandem or it may be located elsewhere in the genome. This variant has not been reported in the literature in individuals affected with ANGPT1-related conditions. In summary, the available evidence is currently insufficient to determine the role of this variant in disease. Therefore, it has been classified as a Variant of Uncertain Significance.

NC_000008.10:g.(?_108264083)_(108509786_?)dup

Gene: ANGPT1 (angiopoietin 1; minus strand). Cytogenetic location: 8q23.1.
Variant type: Duplication.
Identifiers: ClinVar variation 2423887 (VCV002423887.3).